The following is an entry in ClinVar:

ClinVar aggregate classification (germline): Uncertain significance (1 of 4 stars; one submission).

Conditions:
Hypomagnesemia, seizures, and impaired intellectual development 2. Also called: Hypomagnesemia, seizures, and intellectual disability 2. Identifiers: MedGen C5193023, MONDO:0020788, OMIM 618314.

Submission:

MVZ Medizinische Genetik Mainz
Classification: Uncertain significance for Hypomagnesemia, seizures, and impaired intellectual development 2. Last evaluated: 2023-12-13. Review status: criteria provided, single submitter. Criteria: UK Practice Guidelines For Variant Classification V4 01 2020. Collection method: clinical testing. Allele origin: germline. Inheritance: Autosomal dominant inheritance. Affected: yes. Observed: 1 variant allele.
Comment: ACMG Criteria: PP3_STR,PM2_SUP

NM_000701.8(ATP1A1):c.1144A>G (p.Thr382Ala)

Gene: ATP1A1 (ATPase Na+/K+ transporting subunit alpha 1; plus strand). Cytogenetic location: 1p13.1.
Variant type: single nucleotide variant.
Coding change: c.1144A>G on transcript NM_000701.8 (MANE Select); coding-DNA position 1144, A replaced by G.
Protein change: p.Thr382Ala; replaces threonine 382 with alanine.
Molecular consequence: missense variant.
Genome position (GRCh38, 1-based): chr1:116,390,333, A>G. VCF-style: chr1-116390333-A-G. GRCh37 (hg19) VCF-style: chr1-116932955-A-G.
Other names: c.1144A>G, p.Thr382Ala (NM_001160233.2); c.1051A>G, p.Thr351Ala (NM_001160234.2); short protein forms T351A, T382A.
Identifiers: ClinVar variation 3236059 (VCV003236059.1), dbSNP rs2525838525, ClinGen allele CA341844526.